The following is an entry in ClinVar:

NM_002667.4(PLN):c.-97-?_*1344+?del

Gene: PLN (phospholamban; plus strand).
Variant type: Deletion.
Coding change: c.-97-?_*1344+?del on transcript NM_002667.4.
Other names: c.-97-?_*1344+?del (LRG_390t1).
Identifiers: ClinVar variation 239214 (VCV000239214.1).

ClinVar aggregate classification (germline): Pathogenic (1 of 4 stars; one submission).

Conditions:
Dilated cardiomyopathy 1P (CMD1P). Identifiers: Orphanet 154, MedGen C1835928, MONDO:0012362, OMIM 609909.

Submission:

Labcorp Genetics (formerly Invitae), Labcorp
Classification: Pathogenic for Dilated cardiomyopathy 1P. Last evaluated: 2016-02-25. Review status: criteria provided, single submitter. Criteria: Invitae Variant Classification Sherloc (09022015). Collection method: clinical testing. Allele origin: germline.
Comment: A gross deletion of the genomic region encompassing the full coding sequence of the PLN gene has been identified. The boundaries of this event are unknown as the deletion extends beyond the assayed region for this gene and therefore may encompass additional genes. While this variant has not been reported in the literature, truncating variants in PLN are considered to be pathogenic because loss of function mutations are causative of disease (PMID: 12639993, 17655857, 21167350, 23871674). For these reasons, this variant has been classified as Pathogenic.